The following is an entry in ClinVar:

ClinVar aggregate classification (germline): Uncertain significance (1 of 4 stars; one submission).

Submission:

Greenwood Genetic Center Diagnostic Laboratories, Greenwood Genetic Center
Classification: Uncertain significance. Last evaluated: 2024-08-01. Review status: criteria provided, single submitter. Criteria: ACMG Guidelines, 2015. Collection method: clinical testing. Allele origin: germline. Affected: yes.
Comment: PM2, PP2, PP3

NM_001297595.2(SIN3B):c.193T>G (p.Phe65Val)

Gene: SIN3B (SIN3 transcription regulator family member B; plus strand). Cytogenetic location: 19p13.11.
Variant type: single nucleotide variant.
Coding change: c.193T>G on transcript NM_001297595.2 (MANE Select); coding-DNA position 193, T replaced by G.
Protein change: p.Phe65Val; replaces phenylalanine 65 with valine.
Molecular consequence: missense variant.
Genome position (GRCh38, 1-based): chr19:16,829,863, T>G. VCF-style: chr19-16829863-T-G. GRCh37 (hg19) VCF-style: chr19-16940674-T-G.
Other names: c.193T>G, p.Phe65Val (NM_015260.4); short protein forms F65V.
Identifiers: ClinVar variation 3765884 (VCV003765884.1).